The following is an entry in ClinVar:

NM_004304.5(ALK):c.552A>G (p.Arg184=)

Gene: ALK (ALK receptor tyrosine kinase; minus strand). Cytogenetic location: 2p23.1.
Variant type: single nucleotide variant.
Coding change: c.552A>G on transcript NM_004304.5 (MANE Select); coding-DNA position 552, A replaced by G.
Protein change: p.Arg184=; no amino-acid change (arginine 184 retained).
Molecular consequence: synonymous variant.
Genome position (GRCh38, 1-based): chr2:29,920,108, T>C on the plus strand (A>G on the coding strand, the complement: ALK is on the minus strand). VCF-style: chr2-29920108-T-C. GRCh37 (hg19) VCF-style: chr2-30142974-T-C.
Identifiers: ClinVar variation 1748113 (VCV001748113.10), dbSNP rs2148443002, ClinGen allele CA425524706.

ClinVar aggregate classification (germline): Likely benign. Review status: criteria provided, multiple submitters, no conflicts (2 of 4 stars). 2 submissions from 2 submitters: Likely benign (2). Last evaluated 2025-08-01.

Conditions:
Hereditary cancer-predisposing syndrome. Also called: Hereditary neoplastic syndrome; Neoplastic Syndromes, Hereditary; Tumor predisposition; Hereditary Cancer Syndrome. Identifiers: Orphanet 140162, MedGen C0027672, MeSH D009386, MONDO:0015356.

Submissions (2):

CeGaT Center for Human Genetics Tuebingen
Classification: Likely benign. Last evaluated: 2025-08-01. Review status: criteria provided, single submitter. Criteria: CeGaT Center For Human Genetics Tuebingen Variant Classification Criteria Version 2. Collection method: clinical testing. Allele origin: germline. Affected: yes. Observed: 1 variant allele.
Comment: ALK: PM2:Supporting, BP4, BP7

Ambry Genetics
Classification: Likely benign for Hereditary cancer-predisposing syndrome. Last evaluated: 2020-03-14. Review status: criteria provided, single submitter. Criteria: Ambry Variant Classification Scheme 2023. Collection method: clinical testing. Allele origin: germline.